The following is an entry in ClinVar:

NM_003242.6(TGFBR2):c.102C>T (p.Asn34=)

Gene: TGFBR2 (transforming growth factor beta receptor 2; plus strand). Cytogenetic location: 3p24.1.
Variant type: single nucleotide variant.
Coding change: c.102C>T on transcript NM_003242.6 (MANE Select); coding-DNA position 102, C replaced by T.
Protein change: p.Asn34=; no amino-acid change (asparagine 34 retained).
Molecular consequence: synonymous variant. On other transcripts: 5 prime UTR variant (6), intron variant (2).
Genome position (GRCh38, 1-based): chr3:30,644,754, C>T. VCF-style: chr3-30644754-C-T. GRCh37 (hg19) VCF-style: chr3-30686246-C-T.
Other names: c.177C>T, p.Asn59= (NM_001024847.3, NM_001407126.1, NM_001407139.1); c.102C>T, p.Asn34= (NM_001407127.1, NM_001407130.1); c.129C>T, p.Asn43= (NM_001407128.1); c.-4C>T (NM_001407129.1, NM_001407132.1, NM_001407133.1 and 3 more transcripts); c.169+21481C>T (NM_001407137.1); c.95-26884C>T (NM_001407138.1); c.102C>T (NM_003242.5).
Identifiers: ClinVar variation 1540081 (VCV001540081.14), dbSNP rs753739611, ClinGen allele CA045445.

ClinVar aggregate classification (germline): Likely benign. Review status: criteria provided, multiple submitters, no conflicts (2 of 4 stars). 5 submissions from 5 submitters: Likely benign (5). Last evaluated 2025-06-22.

Conditions:
Loeys-Dietz syndrome 2 (LDS2). Also called: AORTIC ANEURYSM, FAMILIAL THORACIC 3; MARFAN SYNDROME, TYPE II; Marfan syndrome, type 2 (formerly); TGFBR2-Related Loeys-Dietz Syndrome; Marfan Syndrome type 2; Marfan like connective tissue disorder. Identifiers: Orphanet 284973, Orphanet 558, MedGen C2674574, MONDO:0012427, OMIM 610168.
Familial thoracic aortic aneurysm and aortic dissection (TAAD). Also called: Thoracic aortic aneurysms and dissections. Identifiers: Orphanet 91387, MedGen C4707243, MONDO:0019625.

Allele frequency attached by ClinVar (database versions not stated): gnomAD 0.00001; gnomAD exomes 0.00001; ExAC 0.00003.
gnomAD v4.1: 10 of 1,613,890 alleles (0.00062%); highest among the groups gnomAD compares: Admixed American, 0.0033%; no homozygotes.

Submissions (5):

Labcorp Genetics (formerly Invitae), Labcorp
Classification: Likely benign for Familial thoracic aortic aneurysm and aortic dissection. Last evaluated: 2025-06-22. Review status: criteria provided, single submitter. Criteria: Invitae Variant Classification Sherloc (09022015). Collection method: clinical testing. Allele origin: germline.

Ambry Genetics
Classification: Likely benign for Familial thoracic aortic aneurysm and aortic dissection. Last evaluated: 2024-07-14. Review status: criteria provided, single submitter. Criteria: Ambry Variant Classification Scheme 2023. Collection method: clinical testing. Allele origin: germline.

All of Us Research Program, National Institutes of Health
Classification: Likely benign for Loeys-Dietz syndrome 2. Last evaluated: 2024-05-09. Review status: criteria provided, single submitter. Criteria: ACMG Guidelines, 2015. Collection method: clinical testing. Allele origin: germline. Inheritance: Autosomal dominant inheritance. Observed: 1 variant allele, 1 heterozygote.
Comment: This study involves interpretation of variants in research participants for the purpose of population health screening. Participant phenotype was not available at the time of variant classification. Additional details can be found in publication PMID: 35346344, PMCID: PMC8962531

Blueprint Genetics
Classification: Likely benign. Last evaluated: 2022-05-27. Review status: criteria provided, single submitter. Criteria: ACMG Guidelines, 2015. Collection method: clinical testing. Allele origin: germline.

Color Diagnostics, LLC DBA Color Health
Classification: Likely benign for Familial thoracic aortic aneurysm and aortic dissection. Last evaluated: 2021-12-21. Review status: criteria provided, single submitter. Criteria: ACMG Guidelines, 2015. Collection method: clinical testing. Allele origin: germline.